The following is an entry in ClinVar:

ClinVar aggregate classification (germline): Uncertain significance. Review status: criteria provided, multiple submitters, no conflicts (2 of 4 stars). 3 submissions from 3 submitters: Uncertain significance (3). Last evaluated 2026-01-05.

Conditions:
Inborn genetic diseases. Identifiers: MedGen C0950123, MeSH D030342.

Allele frequency attached by ClinVar (database versions not stated): gnomAD exomes 0.00006; ExAC 0.00010; gnomAD 0.00011 and 0.00014; 1000 Genomes Project 30x 0.00016; 1000 Genomes Project 0.00020; ESP Exome Variant Server 0.00024.
gnomAD v4.1: 45 of 1,604,674 alleles (0.0028%); highest among the groups gnomAD compares: African/African-American, 0.049%; no homozygotes.

Submissions (3):

Labcorp Genetics (formerly Invitae), Labcorp
Classification: Uncertain significance. Last evaluated: 2026-01-05. Review status: criteria provided, single submitter. Criteria: Invitae Variant Classification Sherloc (09022015). Collection method: clinical testing. Allele origin: germline.
Comment: This sequence change replaces isoleucine, which is neutral and non-polar, with methionine, which is neutral and non-polar, at codon 263 of the PROM1 protein (p.Ile263Met). This variant is present in population databases (rs150322691, gnomAD 0.07%). This variant has not been reported in the literature in individuals affected with PROM1-related conditions. ClinVar contains an entry for this variant (Variation ID: 1363987). Invitae Evidence Modeling of protein sequence and biophysical properties (such as structural, functional, and spatial information, amino acid conservation, physicochemical variation, residue mobility, and thermodynamic stability) indicates that this missense variant is not expected to disrupt PROM1 protein function with a negative predictive value of 80%. In summary, the available evidence is currently insufficient to determine the role of this variant in disease. Therefore, it has been classified as a Variant of Uncertain Significance.

Ambry Genetics
Classification: Uncertain significance for Inborn genetic diseases. Last evaluated: 2023-11-13. Review status: criteria provided, single submitter. Criteria: Ambry Variant Classification Scheme 2023. Collection method: clinical testing. Allele origin: germline.

Blueprint Genetics
Classification: Uncertain significance. Last evaluated: 2020-10-14. Review status: criteria provided, single submitter. Criteria: ACMG Guidelines, 2015. Collection method: clinical testing. Allele origin: germline.

NM_006017.3(PROM1):c.789C>G (p.Ile263Met)

Gene: PROM1 (prominin 1; minus strand). Cytogenetic location: 4p15.32.
Variant type: single nucleotide variant.
Coding change: c.789C>G on transcript NM_006017.3 (MANE Select); coding-DNA position 789, C replaced by G.
Protein change: p.Ile263Met; replaces isoleucine 263 with methionine.
Molecular consequence: missense variant.
Genome position (GRCh38, 1-based): chr4:16,018,536, G>C on the plus strand (C>G on the coding strand, the complement: PROM1 is on the minus strand). VCF-style: chr4-16018536-G-C. GRCh37 (hg19) VCF-style: chr4-16020159-G-C.
Other names: c.762C>G, p.Ile254Met (NM_001145847.2, NM_001145848.2, NM_001145851.2 and 4 more transcripts); c.789C>G, p.Ile263Met (NM_001145849.2, NM_001145850.2); c.789C>G (NM_006017.2); short protein forms I263M, I254M.
Identifiers: ClinVar variation 1363987 (VCV001363987.10), dbSNP rs150322691, ClinGen allele CA2866948.